The following is an entry in ClinVar:

ClinVar aggregate classification (germline): Uncertain significance (1 of 4 stars; one submission).

Conditions:
DYRK1A-related intellectual disability syndrome (MRD7). Also called: DYRK1A Syndrome; Intellectual developmental disorder, autosomal dominant 7. Identifiers: Orphanet 464306, MedGen C5568143, MONDO:0013578, OMIM 614104.

gnomAD v4.1: 2 of 1,614,106 alleles (0.00012%); highest among the groups gnomAD compares: Non-Finnish European, 0.00017%; no homozygotes.

Submission:

Labcorp Genetics (formerly Invitae), Labcorp
Classification: Uncertain significance for DYRK1A-related intellectual disability syndrome. Last evaluated: 2023-11-04. Review status: criteria provided, single submitter. Criteria: Invitae Variant Classification Sherloc (09022015). Collection method: clinical testing. Allele origin: germline.
Comment: This sequence change replaces serine, which is neutral and polar, with threonine, which is neutral and polar, at codon 97 of the DYRK1A protein (p.Ser97Thr). This variant is not present in population databases (gnomAD no frequency). This variant has not been reported in the literature in individuals affected with DYRK1A-related conditions. Advanced modeling of protein sequence and biophysical properties (such as structural, functional, and spatial information, amino acid conservation, physicochemical variation, residue mobility, and thermodynamic stability) performed at Invitae indicates that this missense variant is not expected to disrupt DYRK1A protein function with a negative predictive value of 95%. In summary, the available evidence is currently insufficient to determine the role of this variant in disease. Therefore, it has been classified as a Variant of Uncertain Significance.

NM_001347721.2(DYRK1A):c.262T>A (p.Ser88Thr)

Gene: DYRK1A (dual specificity tyrosine phosphorylation regulated kinase 1A; plus strand). Cytogenetic location: 21q22.13.
Variant type: single nucleotide variant.
Coding change: c.262T>A on transcript NM_001347721.2 (MANE Select); coding-DNA position 262, T replaced by A.
Protein change: p.Ser88Thr; replaces serine 88 with threonine.
Molecular consequence: missense variant.
Genome position (GRCh38, 1-based): chr21:37,478,262, T>A. VCF-style: chr21-37478262-T-A. GRCh37 (hg19) VCF-style: chr21-38850564-T-A.
Other names: c.262T>A, p.Ser88Thr (NM_001347722.2, NM_130436.2); c.175T>A, p.Ser59Thr (NM_001347723.2); c.289T>A, p.Ser97Thr (NM_001396.5, NM_101395.2, NM_130438.2); short protein forms S97T, S59T, S88T.
Identifiers: ClinVar variation 2865492 (VCV002865492.3), dbSNP rs2517974744, ClinGen allele CA409943540.